The following is an entry in ClinVar:

ClinVar aggregate classification (germline): Conflicting classifications of pathogenicity. Review status: criteria provided, conflicting classifications (1 of 4 stars). 2 submissions from 2 submitters: Uncertain significance (1); Likely benign (1). Last evaluated 2025-07-10.

Conditions:
Malaria, susceptibility to. Identifiers: Orphanet 673, MedGen C1970028, MONDO:0021024, OMIM 611162.

Allele frequency attached by ClinVar (database versions not stated): 1000 Genomes Project 0.00280; 1000 Genomes Project 30x 0.00328; TOPMed 0.00379; gnomAD 0.00391; ESP Exome Variant Server 0.00461.

Submissions (2):

Center for Genomics, Ann and Robert H. Lurie Children's Hospital of Chicago
Classification: Likely benign for Malaria, susceptibility to. Last evaluated: 2025-07-10. Review status: criteria provided, single submitter. Criteria: ACMG Guidelines, 2015. Collection method: clinical testing. Allele origin: germline.
Comment: BS1, BP4

Breakthrough Genomics
Classification: Uncertain significance. Review status: criteria provided, single submitter. Criteria: ACMG Guidelines, 2015. Collection method: not provided. Allele origin: germline. Inheritance: Unknown mechanism. Affected: yes.

NM_000201.3(ICAM1):c.1432C>T (p.Arg478Trp)

Gene: ICAM1 (intercellular adhesion molecule 1; plus strand). Cytogenetic location: 19p13.2.
Variant type: single nucleotide variant.
Coding change: c.1432C>T on transcript NM_000201.3 (MANE Select); coding-DNA position 1432, C replaced by T.
Protein change: p.Arg478Trp; replaces arginine 478 with tryptophan.
Molecular consequence: missense variant.
Genome position (GRCh38, 1-based): chr19:10,285,120, C>T. VCF-style: chr19-10285120-C-T. GRCh37 (hg19) VCF-style: chr19-10395796-C-T.
Other names: short protein forms R478W.
Identifiers: ClinVar variation 828004 (VCV000828004.4), dbSNP rs5030400, ClinGen allele CA9190110.